The following is an entry in ClinVar:

ClinVar aggregate classification (germline): Uncertain significance (1 of 4 stars; one submission).

Conditions:
Charcot-Marie-Tooth disease axonal type 2P. Also called: Charcot-Marie-Tooth Neuropathy Type 2G; CHARCOT-MARIE-TOOTH NEUROPATHY, TYPE 2P; CHARCOT-MARIE-TOOTH DISEASE, AXONAL, TYPE 2G; CMT 2G. Identifiers: Orphanet 300319, Orphanet 99941, MedGen C3280797, MONDO:0013753, OMIM 614436.

Submission:

Labcorp Genetics (formerly Invitae), Labcorp
Classification: Uncertain significance for Charcot-Marie-Tooth disease axonal type 2P. Last evaluated: 2024-07-16. Review status: criteria provided, single submitter. Criteria: Invitae Variant Classification Sherloc (09022015). Collection method: clinical testing. Allele origin: germline.
Comment: This sequence change replaces glutamine, which is neutral and polar, with histidine, which is basic and polar, at codon 573 of the LRSAM1 protein (p.Gln573His). This variant is not present in population databases (gnomAD no frequency). This variant has not been reported in the literature in individuals affected with LRSAM1-related conditions. Advanced modeling of protein sequence and biophysical properties (such as structural, functional, and spatial information, amino acid conservation, physicochemical variation, residue mobility, and thermodynamic stability) performed at Invitae indicates that this missense variant is not expected to disrupt LRSAM1 protein function with a negative predictive value of 80%. In summary, the available evidence is currently insufficient to determine the role of this variant in disease. Therefore, it has been classified as a Variant of Uncertain Significance.

NM_001005373.4(LRSAM1):c.1719G>T (p.Gln573His)

Gene: LRSAM1 (leucine rich repeat and sterile alpha motif containing 1; plus strand). Cytogenetic location: 9q33.3.
Variant type: single nucleotide variant.
Coding change: c.1719G>T on transcript NM_001005373.4 (MANE Select); coding-DNA position 1719, G replaced by T.
Protein change: p.Gln573His; replaces glutamine 573 with histidine.
Molecular consequence: missense variant. On other transcripts: non-coding transcript variant (2).
Genome position (GRCh38, 1-based): chr9:127,495,984, G>T. VCF-style: chr9-127495984-G-T. GRCh37 (hg19) VCF-style: chr9-130258263-G-T.
Other names: c.1638G>T, p.Gln546His (NM_001190723.3); c.1719G>T, p.Gln573His (NM_001384142.1, NM_138361.5, NM_001005374.4); c.1620G>T, p.Gln540His (NM_001384143.1); c.930G>T, p.Gln310His (NM_001384144.1); short protein forms Q310H, Q573H, Q540H, Q546H.
Identifiers: ClinVar variation 3659614 (VCV003659614.2).